The following is an entry in ClinVar:

NM_000553.6(WRN):c.2027G>C (p.Trp676Ser)

Gene: WRN (WRN RecQ like helicase; plus strand). Cytogenetic location: 8p12.
Variant type: single nucleotide variant.
Coding change: c.2027G>C on transcript NM_000553.6 (MANE Select); coding-DNA position 2027, G replaced by C.
Protein change: p.Trp676Ser; replaces tryptophan 676 with serine.
Molecular consequence: missense variant.
Genome position (GRCh38, 1-based): chr8:31,100,894, G>C. VCF-style: chr8-31100894-G-C. GRCh37 (hg19) VCF-style: chr8-30958410-G-C.
Other names: short protein forms W676S.
Identifiers: ClinVar variation 1020848 (VCV001020848.3), dbSNP rs779805817, ClinGen allele CA370908518.
Genomic context (GRCh38, chr8:31,100,894, plus strand): 5'-TTTCTTTTTTTACAGGTATCACGCTCATTGCTGTGGATGAGGCTCACTGTATTTCTGAGT[G>C]GGGGCATGATTTTAGGGATTCATTCAGGAAGTTGGGCTCCCTAAAGACAGCACTGCCAAT-3'
Protein context (NP_000544.2, residues 666-686): AVDEAHCISE[Trp676Ser]GHDFRDSFRK

ClinVar aggregate classification (germline): Uncertain significance (1 of 4 stars; one submission).

Conditions:
Werner syndrome (WRN). Identifiers: Orphanet 902, MedGen C0043119, MONDO:0010196, OMIM 277700.

Allele frequency attached by ClinVar (database versions not stated): gnomAD 0.00001; TOPMed 0.00001.
gnomAD v4.1: 2 of 1,613,870 alleles (0.00012%); highest among the groups gnomAD compares: African/African-American, 0.0027%; no homozygotes.

Submission:

Labcorp Genetics (formerly Invitae), Labcorp
Classification: Uncertain significance for Werner syndrome. Last evaluated: 2023-03-27. Review status: criteria provided, single submitter. Criteria: Invitae Variant Classification Sherloc (09022015). Collection method: clinical testing. Allele origin: germline.
Comment: ClinVar contains an entry for this variant (Variation ID: 1020848). In summary, the available evidence is currently insufficient to determine the role of this variant in disease. Therefore, it has been classified as a Variant of Uncertain Significance. An algorithm developed to predict the effect of missense changes on protein structure and function (PolyPhen-2) suggests that this variant is likely to be disruptive. This variant has not been reported in the literature in individuals affected with WRN-related conditions. This variant is not present in population databases (gnomAD no frequency). This sequence change replaces tryptophan, which is neutral and slightly polar, with serine, which is neutral and polar, at codon 676 of the WRN protein (p.Trp676Ser).